The following is an entry in ClinVar:

ClinVar aggregate classification (germline): Uncertain significance (1 of 4 stars; one submission).

Conditions:
Hereditary cancer-predisposing syndrome. Also called: Tumor predisposition; Hereditary neoplastic syndrome; Hereditary Cancer Syndrome; Neoplastic Syndromes, Hereditary. Identifiers: Orphanet 140162, MedGen C0027672, MeSH D009386, MONDO:0015356.

gnomAD v4.1: 1 of 1,613,722 alleles (0.000062%); highest among the groups gnomAD compares: Non-Finnish European, 0.000085%; no homozygotes.

Submission:

Ambry Genetics
Classification: Uncertain significance for Hereditary cancer-predisposing syndrome. Last evaluated: 2025-04-09. Review status: criteria provided, single submitter. Criteria: Ambry Variant Classification Scheme 2023. Collection method: clinical testing. Allele origin: germline.
Comment: The p.T134K variant (also known as c.401C>A), located in coding exon 3 of the PDGFRA gene, results from a C to A substitution at nucleotide position 401. The threonine at codon 134 is replaced by lysine, an amino acid with similar properties. This amino acid position is conserved. In addition, this alteration is predicted to be tolerated by in silico analysis. Based on the available evidence, the clinical significance of this variant remains unclear.

NM_006206.6(PDGFRA):c.401C>A (p.Thr134Lys)

Gene: PDGFRA (platelet derived growth factor receptor alpha; plus strand). Cytogenetic location: 4q12.
Variant type: single nucleotide variant.
Coding change: c.401C>A on transcript NM_006206.6 (MANE Select); coding-DNA position 401, C replaced by A.
Protein change: p.Thr134Lys; replaces threonine 134 with lysine.
Molecular consequence: missense variant.
Genome position (GRCh38, 1-based): chr4:54,263,700, C>A. VCF-style: chr4-54263700-C-A. GRCh37 (hg19) VCF-style: chr4-55129867-C-A.
Other names: c.401C>A, p.Thr134Lys (NM_001347827.2, NM_001347829.2); c.476C>A, p.Thr159Lys (NM_001347828.2); c.440C>A, p.Thr147Lys (NM_001347830.2); short protein forms T147K, T134K, T159K.
Identifiers: ClinVar variation 3930202 (VCV003930202.1).